The following is an entry in ClinVar:

ClinVar aggregate classification (germline): Uncertain significance (1 of 4 stars; one submission).

Conditions:
Cardiovascular phenotype. Identifiers: MedGen CN230736.

Submission:

Ambry Genetics
Classification: Uncertain significance for Cardiovascular phenotype. Last evaluated: 2021-03-31. Review status: criteria provided, single submitter. Criteria: Ambry Variant Classification Scheme 2023. Collection method: clinical testing. Allele origin: germline.
Comment: The p.P1488S variant (also known as c.4462C>T), located in coding exon 7 of the ALPK3 gene, results from a C to T substitution at nucleotide position 4462. The proline at codon 1488 is replaced by serine, an amino acid with similar properties. This amino acid position is not well conserved in available vertebrate species, and serine is the reference amino acid in other vertebrate species. In addition, this alteration is predicted to be tolerated by in silico analysis. Since supporting evidence is limited at this time, the clinical significance of this alteration remains unclear.

NM_020778.5(ALPK3):c.3856C>T (p.Pro1286Ser)

Gene: ALPK3 (alpha kinase 3; plus strand). Cytogenetic location: 15q25.3.
Variant type: single nucleotide variant.
Coding change: c.3856C>T on transcript NM_020778.5 (MANE Select); coding-DNA position 3856, C replaced by T.
Protein change: p.Pro1286Ser; replaces proline 1286 with serine.
Molecular consequence: missense variant.
Genome position (GRCh38, 1-based): chr15:84,859,281, C>T. VCF-style: chr15-84859281-C-T. GRCh37 (hg19) VCF-style: chr15-85402512-C-T.
Other names: short protein forms P1286S.
Identifiers: ClinVar variation 1740784 (VCV001740784.2), dbSNP rs867748170, ClinGen allele CA273626485.